The following is an entry in ClinVar:

ClinVar aggregate classification (germline): Likely benign. Review status: criteria provided, multiple submitters, no conflicts (2 of 4 stars). 3 submissions from 3 submitters: Likely benign (2). 1 of the submissions does not count toward it. Last evaluated 2023-04-28.

Conditions:
Bethlem myopathy 1A. Also called: Bethlem myopathy 1; MYOPATHY, BENIGN CONGENITAL, WITH CONTRACTURES; Bethlem Muscular Dystrophy. Identifiers: Orphanet 610, MedGen CN029274, MONDO:0024530, OMIM 158810.
COL6A1-related disorder. Also called: COL6A1-related condition.

Allele frequency attached by ClinVar (database versions not stated): gnomAD 0.00001; TOPMed 0.00001.
gnomAD v4.1: 9 of 1,613,240 alleles (0.00056%); highest among the groups gnomAD compares: Middle Eastern, 0.016%; no homozygotes.

Submissions (3):

Labcorp Genetics (formerly Invitae), Labcorp
Classification: Likely benign for Bethlem myopathy 1A. Last evaluated: 2023-04-28. Review status: criteria provided, single submitter. Criteria: Invitae Variant Classification Sherloc (09022015). Collection method: clinical testing. Allele origin: germline.

Blueprint Genetics
Classification: Likely benign. Last evaluated: 2019-10-03. Review status: criteria provided, single submitter. Criteria: ACMG Guidelines, 2015. Collection method: clinical testing. Allele origin: germline.

PreventionGenetics, part of Exact Sciences
Classification: Likely benign for COL6A1-related condition. Last evaluated: 2019-05-17. Review status: no assertion criteria provided. Collection method: clinical testing. Allele origin: germline. Not counted in ClinVar's aggregate classification.
Comment: This variant is classified as likely benign based on ACMG/AMP sequence variant interpretation guidelines (Richards et al. 2015 PMID: 25741868, with internal and published modifications).

NM_001848.3(COL6A1):c.1741-7C>T

Gene: COL6A1 (collagen type VI alpha 1 chain; plus strand). Cytogenetic location: 21q22.3.
Variant type: single nucleotide variant.
Coding change: c.1741-7C>T on transcript NM_001848.3 (MANE Select); 7 bases into the intron before coding-DNA position 1741, C replaced by T.
Molecular consequence: intron variant.
Genome position (GRCh38, 1-based): chr21:45,999,650, C>T. VCF-style: chr21-45999650-C-T. GRCh37 (hg19) VCF-style: chr21-47419564-C-T.
Other names: c.1741-7C>T (NM_001848.2).
Identifiers: ClinVar variation 1634931 (VCV001634931.11), dbSNP rs771621923, ClinGen allele CA10070531.